The following is an entry in ClinVar:

NM_014809.4(KIAA0319):c.2756G>C (p.Gly919Ala)

Gene: KIAA0319 (KIAA0319; minus strand). Cytogenetic location: 6p22.3.
Variant type: single nucleotide variant.
Coding change: c.2756G>C on transcript NM_014809.4 (MANE Select); coding-DNA position 2756, G replaced by C.
Protein change: p.Gly919Ala; replaces glycine 919 with alanine.
Molecular consequence: missense variant.
Genome position (GRCh38, 1-based): chr6:24,556,708, C>G on the plus strand (G>C on the coding strand, the complement: KIAA0319 is on the minus strand). VCF-style: chr6-24556708-C-G. GRCh37 (hg19) VCF-style: chr6-24556936-C-G.
Other names: c.2729G>C, p.Gly910Ala (NM_001168374.2); c.2756G>C, p.Gly919Ala (NM_001168375.2, NM_001168377.2, NM_001350403.2 and 2 more transcripts); c.2621G>C, p.Gly874Ala (NM_001168376.2, NM_001350406.2); c.989G>C, p.Gly330Ala (NM_001252328.2); c.2738G>C, p.Gly913Ala (NM_001350404.2); c.2657G>C, p.Gly886Ala (NM_001350405.2); c.2300G>C, p.Gly767Ala (NM_001350409.2, NM_001350410.2); short protein forms G910A, G330A, G767A, G874A, G886A, G919A, G913A.
Identifiers: ClinVar variation 707909 (VCV000707909.5), dbSNP rs10946705, ClinGen allele CA3657111.

ClinVar aggregate classification (germline): Benign. Review status: criteria provided, single submitter (1 of 4 stars). 2 submissions from 2 submitters: Benign (1). 1 of the submissions does not count toward it. Last evaluated 2017-08-14.

Conditions:
KIAA0319-related disorder. Also called: KIAA0319-related condition.

Allele frequency attached by ClinVar (database versions not stated): gnomAD exomes 0.00029 and 0.00120; gnomAD 0.00036 and 0.00045; TOPMed 0.00063; ExAC 0.00097; 1000 Genomes Project 30x 0.00250; 1000 Genomes Project 0.00280.
gnomAD v4.1: 558 of 1,613,854 alleles (0.035%); highest among the groups gnomAD compares: East Asian, 1%; 5 homozygotes.

Submissions (2):

Labcorp Genetics (formerly Invitae), Labcorp
Classification: Benign. Last evaluated: 2017-08-14. Review status: criteria provided, single submitter. Criteria: Invitae Variant Classification Sherloc (09022015). Collection method: clinical testing. Allele origin: germline.

PreventionGenetics, part of Exact Sciences
Classification: Benign for KIAA0319-related condition. Last evaluated: 2019-10-01. Review status: no assertion criteria provided. Collection method: clinical testing. Allele origin: germline. Not counted in ClinVar's aggregate classification.
Comment: This variant is classified as benign based on ACMG/AMP sequence variant interpretation guidelines (Richards et al. 2015 PMID: 25741868, with internal and published modifications).